The following is an entry in ClinVar:

NM_003227.4(TFR2):c.1629del (p.Gln544fs)

Gene: TFR2 (transferrin receptor 2; minus strand). Cytogenetic location: 7q22.1.
Variant type: Deletion.
Coding change: c.1629del on transcript NM_003227.4 (MANE Select); coding-DNA position 1629, one base deleted (G; older notation c.1629delG).
Protein change: p.Gln544fs; shifts the reading frame from glutamine 544.
Molecular consequence: frameshift variant.
Genome position (GRCh38, 1-based): chr7:100,627,797, C deleted on the plus strand (G on the coding strand, the reverse complement: TFR2 is on the minus strand); the first of 3 consecutive C bases (chr7:100,627,797-100,627,799); deleting any one gives the same sequence. VCF-style (leftmost placement, unchanged base first): chr7-100627796-GC-G. GRCh37 (hg19) VCF-style: chr7-100225419-GC-G.
Other names: c.1629delG (NM_003227.3); c.1116del, p.Gln373fs (NM_001206855.3); short protein forms Q373fs, Q544fs.
Identifiers: ClinVar variation 834979 (VCV000834979.8), dbSNP rs749211542, ClinGen allele CA4386338.

ClinVar aggregate classification (germline): Pathogenic/Likely pathogenic. Review status: criteria provided, multiple submitters, no conflicts (2 of 4 stars). 2 submissions from 2 submitters: Pathogenic (1); Likely pathogenic (1). Last evaluated 2025-03-17.

Conditions:
Hereditary hemochromatosis (HFE). Identifiers: MedGen C0392514, MONDO:0006507. Disease mechanism: loss of function.
Hemochromatosis type 3 (HFE3). Also called: Hereditary hemochromatosis type 3; HEMOCHROMATOSIS DUE TO DEFECT IN TRANSFERRIN RECEPTOR 2; TFR2-Related Hemochromatosis. Identifiers: Orphanet 225123, MedGen C1858664, MONDO:0011417, OMIM 604250.

Submissions (2):

Natera, Inc.
Classification: Likely pathogenic for Hereditary hemochromatosis type 3. Last evaluated: 2025-03-17. Review status: criteria provided, single submitter. Criteria: Natera Variant Classification Schema (03/2026). Collection method: clinical testing. Allele origin: germline.
Comment: The c.1629delG variant in TFR2 is a frameshift variant predicted to shift the reading frame beginning at codon 544 and leads to a stop codon 18 codons downstream. This variant is expected to result in nonsense mediated decay, truncation, or a dysfunctional protein product. This variant is rare in the general population with a frequency below the threshold expected for the associated phenotype(s). Given the available evidence, this variant is classified as Likely Pathogenic.

Labcorp Genetics (formerly Invitae), Labcorp
Classification: Pathogenic for Hereditary hemochromatosis. Last evaluated: 2025-02-07. Review status: criteria provided, single submitter. Criteria: Invitae Variant Classification Sherloc (09022015). Collection method: clinical testing. Allele origin: germline.
Comment: This sequence change creates a premature translational stop signal (p.Gln544Argfs*18) in the TFR2 gene. It is expected to result in an absent or disrupted protein product. Loss-of-function variants in TFR2 are known to be pathogenic (PMID: 23600741, 26029709). This variant is present in population databases (rs749211542, gnomAD 0.003%). This variant has not been reported in the literature in individuals affected with TFR2-related conditions. ClinVar contains an entry for this variant (Variation ID: 834979). For these reasons, this variant has been classified as Pathogenic.

Literature cited by the submitters: PubMed 23600741 (cited by Labcorp Genetics (formerly Invitae), Labcorp); PubMed 26029709 (cited by Labcorp Genetics (formerly Invitae), Labcorp).